The following is an entry in ClinVar:

NM_020964.3(EPG5):c.5075A>T (p.Gln1692Leu)

Gene: EPG5 (ectopic P-granules 5 autophagy tethering factor; minus strand). Cytogenetic location: 18q12.3.
Variant type: single nucleotide variant.
Coding change: c.5075A>T on transcript NM_020964.3 (MANE Select); coding-DNA position 5075, A replaced by T.
Protein change: p.Gln1692Leu; replaces glutamine 1692 with leucine.
Molecular consequence: missense variant.
Genome position (GRCh38, 1-based): chr18:45,887,785, T>A on the plus strand (A>T on the coding strand, the complement: EPG5 is on the minus strand). VCF-style: chr18-45887785-T-A. GRCh37 (hg19) VCF-style: chr18-43467750-T-A.
Other names: c.5075A>T, p.Gln1692Leu (NM_001410858.1, NM_001410859.1); short protein forms Q1692L.
Identifiers: ClinVar variation 2609161 (VCV002609161.4), dbSNP rs754304137, ClinGen allele CA8948680.

ClinVar aggregate classification (germline): Uncertain significance. Review status: criteria provided, multiple submitters, no conflicts (2 of 4 stars). 2 submissions from 2 submitters: Uncertain significance (2). Last evaluated 2025-04-07.

Conditions:
Vici syndrome (VICIS). Identifiers: Orphanet 1493, MedGen C1855772, MONDO:0009452, OMIM 242840.
Inborn genetic diseases. Identifiers: MedGen C0950123, MeSH D030342.

Allele frequency attached by ClinVar (database versions not stated): ExAC 0.00001; gnomAD exomes below 0.00001.
gnomAD v4.1: 3 of 1,592,618 alleles (0.00019%); highest among the groups gnomAD compares: South Asian, 0.0011%; no homozygotes.

Submissions (2):

Labcorp Genetics (formerly Invitae), Labcorp
Classification: Uncertain significance for Vici syndrome. Last evaluated: 2025-04-07. Review status: criteria provided, single submitter. Criteria: Invitae Variant Classification Sherloc (09022015). Collection method: clinical testing. Allele origin: germline.
Comment: This sequence change replaces glutamine, which is neutral and polar, with leucine, which is neutral and non-polar, at codon 1692 of the EPG5 protein (p.Gln1692Leu). This variant is present in population databases (rs754304137, gnomAD 0.006%). This variant has not been reported in the literature in individuals affected with EPG5-related conditions. ClinVar contains an entry for this variant (Variation ID: 2609161). Invitae Evidence Modeling of protein sequence and biophysical properties (such as structural, functional, and spatial information, amino acid conservation, physicochemical variation, residue mobility, and thermodynamic stability) indicates that this missense variant is expected to disrupt EPG5 protein function with a positive predictive value of 80%. In summary, the available evidence is currently insufficient to determine the role of this variant in disease. Therefore, it has been classified as a Variant of Uncertain Significance.

Ambry Genetics
Classification: Uncertain significance for Inborn genetic diseases. Last evaluated: 2023-06-30. Review status: criteria provided, single submitter. Criteria: Ambry Variant Classification Scheme 2023. Collection method: clinical testing. Allele origin: germline.